The following is an entry in ClinVar:

ClinVar aggregate classification (germline): Likely benign. Review status: criteria provided, multiple submitters, no conflicts (2 of 4 stars). 2 submissions from 2 submitters: Likely benign (2). Last evaluated 2026-04-01.

Submissions (2):

CeGaT Center for Human Genetics Tuebingen
Classification: Likely benign. Last evaluated: 2026-04-01. Review status: criteria provided, single submitter. Criteria: CeGaT Center For Human Genetics Tuebingen Variant Classification Criteria Version 2. Collection method: clinical testing. Allele origin: germline. Affected: yes. Observed: 10 variant alleles.
Comment: SETD1A: PM4:Supporting, BS1

Blueprint Genetics
Classification: Likely benign. Last evaluated: 2024-11-20. Review status: criteria provided, single submitter. Criteria: ACMG Guidelines, 2015. Collection method: clinical testing. Allele origin: germline.

NM_014712.3(SETD1A):c.4135AGC[6] (p.Ser1383_Asp1384insSer)

Gene: SETD1A (SET domain containing 1A, histone lysine methyltransferase; plus strand). Cytogenetic location: 16p11.2.
Variant type: Microsatellite.
Coding change: c.4135AGC[6] on transcript NM_014712.3 (MANE Select); six copies in a row of the 3-base unit AGC starting at c.4135; the reference has five copies in a row; one copy, 3 bases duplicated.
Protein change: p.Ser1383_Asp1384insSer.
Molecular consequence: inframe insertion.
Genome position (GRCh38, 1-based): chr16:30,979,933-30,979,935, AGC duplicated; duplicating any 3 consecutive bases within chr16:30,979,920-30,979,935 gives the same sequence; the position shown is the placement nearest the transcript's 3' end. VCF-style (leftmost placement, unchanged base first): chr16-30979919-A-ACAG. GRCh37 (hg19) VCF-style: chr16-30991240-A-ACAG.
Identifiers: ClinVar variation 2646453 (VCV002646453.25), dbSNP rs542501339, ClinGen allele CA8017460.
Genomic context (GRCh38, chr16:30,979,919, plus strand): 5'-GGGAGGAGGGCGAAGAGGAGGGGGAGGAAGAGGGGGAGGAAGAGGAGGAGGAGTCCTCTG[A>ACAG]CAGCAGCAGCAGCAGCGATGGGGAGGGCGCCCTCCGGAGGCGCAGCCTCCGCTCCCACGC-3'